The following is an entry in ClinVar:

ClinVar aggregate classification (germline): Conflicting classifications of pathogenicity. Review status: criteria provided, conflicting classifications (1 of 4 stars). 16 submissions from 12 submitters: Uncertain significance (10); Benign (2); Likely benign (4). Last evaluated 2025-11-12.

Conditions:
TTN-related disorder. Also called: TTN-related condition; TTN-related disease; TTN-related disorders.
Dilated cardiomyopathy 1G (CMD1G). Identifiers: Orphanet 154, MedGen C1858763, MONDO:0011400, OMIM 604145.
Autosomal recessive limb-girdle muscular dystrophy type 2J (LGMDR10). Also called: Limb-girdle muscular dystrophy, type 2J; MUSCULAR DYSTROPHY, LIMB-GIRDLE, AUTOSOMAL RECESSIVE 10. Identifiers: Orphanet 140922, MedGen C1837342, MONDO:0012127, OMIM 608807.
Tibial muscular dystrophy (TMD). Also called: Udd Distal Myopathy – Tibial Muscular Dystrophy; UDD MYOPATHY; Tibial muscular dystrophy, tardive. Identifiers: Orphanet 609, MedGen C1838244, MONDO:0010870, OMIM 600334.
Myopathy, myofibrillar, 9, with early respiratory failure (MFM9). Also called: Hereditary myopathy with early respiratory failure; EDSTROM MYOPATHY; MYOPATHY, PROXIMAL, WITH EARLY RESPIRATORY MUSCLE INVOLVEMENT; Myopathy, distal, with early respiratory failure, autosomal dominant. Identifiers: Orphanet 178464, Orphanet 34521, MedGen C1863599, MONDO:0011362, OMIM 603689.
Early-onset myopathy with fatal cardiomyopathy (CMYO5). Also called: CONGENITAL MYOPATHY 5 WITH CARDIOMYOPATHY; Salih Myopathy. Identifiers: Orphanet 289377, MedGen C2673677, MONDO:0012714, OMIM 611705. Disease mechanism: loss of function.

Allele frequency attached by ClinVar (database versions not stated): ExAC 0.00012; gnomAD exomes 0.00012 and 0.00039; gnomAD 0.00021 and 0.00022; TOPMed 0.00023; ESP Exome Variant Server 0.00034.
gnomAD v4.1: 590 of 1,613,024 alleles (0.037%); highest among the groups gnomAD compares: Non-Finnish European, 0.047%; no homozygotes.

Submissions (16):

Women's Health and Genetics/Laboratory Corporation of America, LabCorp
Classification: Uncertain significance. Last evaluated: 2025-11-12. Review status: criteria provided, single submitter. Criteria: LabCorp Variant Classification Summary - May 2015. Collection method: clinical testing. Allele origin: germline.
Comment: Variant summary: TTN NM_133378 c.15284A>G (p.Tyr5095Cys), also known as NM_001267550 c.19016A>G (p.Tyr6339Cys), results in a non-conservative amino acid change located in the Immunoglobulin V-set domain (IPR013106) of the encoded protein sequence. Algorithms developed to predict the effect of missense changes on protein structure and function are either unavailable or do not agree on the potential impact of this missense change. The variant allele was found at a frequency of 0.00012 in 246820 control chromosomes. This frequency is not significantly higher than estimated for disease-causing variants in TTN, allowing no conclusion about variant significance. c.15284A>G has been reported in the literature in at-least one individual affected with ARVC (Ceyhan-Birsoy_2015). This report does not provide unequivocal conclusions about association of the variant with Cardiomyopathy. Co-occurrences with other another likely pathogenic variant has been reported (PKP2 Exon 8 del in the patient with ARVC mentioned above), providing supporting evidence for a benign role.To our knowledge, no experimental evidence demonstrating an impact on protein function has been reported. The following publication have been ascertained in the context of this evaluation (PMID: 27066507). ClinVar contains an entry for this variant (Variation ID: 178248). Based on the evidence outlined above, the variant was classified as uncertain significance.

PreventionGenetics, part of Exact Sciences
Classification: Likely benign for TTN-related condition. Last evaluated: 2025-09-03. Review status: criteria provided, single submitter. Criteria: ACMG Guidelines, 2015. Collection method: clinical testing. Allele origin: germline.
Comment: This variant is classified as likely benign based on ACMG/AMP sequence variant interpretation guidelines (Richards et al. 2015 PMID: 25741868, with internal and published modifications).

Molecular Diagnostic Laboratory for Inherited Cardiovascular Disease, Montreal Heart Institute
Classification: Likely benign. Last evaluated: 2025-07-24. Review status: criteria provided, single submitter. Criteria: ACMG Guidelines, 2015. Collection method: clinical testing. Allele origin: germline. Affected: no.
Comment: BP1

Blueprint Genetics
Classification: Likely benign. Last evaluated: 2024-11-15. Review status: criteria provided, single submitter. Criteria: ACMG Guidelines, 2015. Collection method: clinical testing. Allele origin: germline.

Athena Diagnostics
Classification: Uncertain significance. Last evaluated: 2022-02-21. Review status: criteria provided, single submitter. Criteria: Athena Diagnostics Criteria. Collection method: clinical testing. Allele origin: unknown.

Mayo Clinic Laboratories, Mayo Clinic
Classification: Uncertain significance. Last evaluated: 2020-08-05. Review status: criteria provided, single submitter. Criteria: ACMG Guidelines, 2015. Collection method: clinical testing. Allele origin: germline. Observed: 1 variant allele.

Revvity Omics, Revvity
Classification: Uncertain significance. Last evaluated: 2019-06-21. Review status: criteria provided, single submitter. Criteria: ACMG Guidelines, 2015. Collection method: clinical testing. Allele origin: germline.

GeneDx
Classification: Likely benign. Last evaluated: 2019-03-28. Review status: criteria provided, single submitter. Criteria: GeneDx Variant Classification Process June 2021. Collection method: clinical testing. Allele origin: germline. Affected: yes.
Comment: This variant is associated with the following publications: (PMID: 27066507)

Labcorp Genetics (formerly Invitae), Labcorp
Classification: Uncertain significance for Dilated cardiomyopathy 1G; Autosomal recessive limb-girdle muscular dystrophy type 2J. Last evaluated: 2018-01-09. Review status: criteria provided, single submitter. Criteria: Invitae Variant Classification Sherloc (09022015). Collection method: clinical testing. Allele origin: germline.

Illumina Laboratory Services, Illumina
Classification: Benign for Myopathy, myofibrillar, 9, with early respiratory failure. Last evaluated: 2017-04-28. Review status: criteria provided, single submitter. Criteria: ICSL Variant Classification Criteria 13 December 2019. Collection method: clinical testing. Allele origin: germline.
Comment: This variant was observed as part of a predisposition screen in an ostensibly healthy population. A literature search was performed for the gene, cDNA change, and amino acid change (where applicable). No publications were found based on this search. Allele frequency data from public databases was too high to be consistent with this variant causing disease. Therefore, this variant is classified as benign.

Illumina Laboratory Services, Illumina
Classification: Uncertain significance for Early-onset myopathy with fatal cardiomyopathy. Last evaluated: 2017-04-28. Review status: criteria provided, single submitter. Criteria: ICSL Variant Classification Criteria 13 December 2019. Collection method: clinical testing. Allele origin: germline.

Illumina Laboratory Services, Illumina
Classification: Uncertain significance for Dilated cardiomyopathy 1G. Last evaluated: 2017-04-28. Review status: criteria provided, single submitter. Criteria: ICSL Variant Classification Criteria 13 December 2019. Collection method: clinical testing. Allele origin: germline.
Comment: This variant was observed as part of a predisposition screen in an ostensibly healthy population. A literature search was performed for the gene, cDNA change, and amino acid change (where applicable). Publications were found based on this search. However, the evidence from the literature, in combination with allele frequency data from public databases where available, was not sufficient to rule this variant in or out of causing disease. Therefore, this variant is classified as a variant of unknown significance.

Illumina Laboratory Services, Illumina
Classification: Benign for Tibial muscular dystrophy. Last evaluated: 2017-04-28. Review status: criteria provided, single submitter. Criteria: ICSL Variant Classification Criteria 13 December 2019. Collection method: clinical testing. Allele origin: germline.
Comment: the same text as in the submission from Illumina Laboratory Services, Illumina above.

Illumina Laboratory Services, Illumina
Classification: Uncertain significance for Autosomal recessive limb-girdle muscular dystrophy type 2J. Last evaluated: 2017-04-28. Review status: criteria provided, single submitter. Criteria: ICSL Variant Classification Criteria 13 December 2019. Collection method: clinical testing. Allele origin: germline.

Eurofins Ntd Llc (ga)
Classification: Uncertain significance. Last evaluated: 2016-09-27. Review status: criteria provided, single submitter. Criteria: EGL Classification Definitions 2015. Collection method: clinical testing. Allele origin: germline. Observed: 4 variant alleles, 4 heterozygotes.

Laboratory for Molecular Medicine, Mass General Brigham Personalized Medicine
Classification: Uncertain significance. Last evaluated: 2014-03-24. Review status: criteria provided, single submitter. Criteria: LMM Criteria. Collection method: clinical testing. Allele origin: germline. Observed: 1 variant allele.
Comment: The Tyr5095Cys variant in TTN has not been reported in individuals with cardiomy opathy, but has been identified in 3/8186 chromosomes by the NHLBI Exome Sequenc ing Project and in 1.0% (2/194) of Han Chine se chromosomes by the 1000 Genomes Project (dbSNP rs192553687). Computational pr ediction tools and conservation analysis suggest that this variant may not impac t the protein, though this information is not predictive enough to rule out path ogenicity. Additional information is needed to fully assess the clinical signifi cance of this variant.

Literature cited by the submitters: PubMed 27066507 (cited by 3 submitters).

NM_001267550.2(TTN):c.19016A>G (p.Tyr6339Cys)

Gene: TTN (titin; minus strand). Cytogenetic location: 2q31.2.
Variant type: single nucleotide variant.
Coding change: c.19016A>G on transcript NM_001267550.2 (MANE Select); coding-DNA position 19016, A replaced by G.
Protein change: p.Tyr6339Cys; replaces tyrosine 6339 with cysteine.
Molecular consequence: missense variant. On other transcripts: intron variant (3).
Genome position (GRCh38, 1-based): chr2:178,729,022, T>C on the plus strand (A>G on the coding strand, the complement: TTN is on the minus strand). VCF-style: chr2-178729022-T-C. GRCh37 (hg19) VCF-style: chr2-179593749-T-C.
Other names: p.Y6022C:TAT>TGT; c.18065A>G, p.Tyr6022Cys (NM_001256850.1); c.15284A>G, p.Tyr5095Cys (NM_133378.4); c.13282+9060A>G (NM_003319.4); c.13858+9060A>G (NM_133437.4); c.13657+9060A>G (NM_133432.3); c.19016A>G (NM_001267550.1); short protein forms Y5095C, Y6339C, Y6022C.
Identifiers: ClinVar variation 178248 (VCV000178248.31), dbSNP rs192553687, ClinGen allele CA181908.
Genomic context (GRCh38, chr2:178,729,022, plus strand): 5'-CTGTGTCCATTATCCACACTTCTGATTTGAAGTGTGGCCACACTGTCCACAAATGAAATA[T>C]AGACATTATCATCTTCATCAAGAATCTGATCATCCTTTAGCCAGGTTATAGAAATAGGAG-3'
Protein context (NP_001254479.2, residues 6329-6349): DQILDEDDNV[Tyr6339Cys]ISFVDSVATL